The following is an entry in ClinVar:

ClinVar aggregate classification (germline): Uncertain significance (1 of 4 stars; one submission).

Conditions:
Primary ciliary dyskinesia. Also called: Ciliary dyskinesia. Identifiers: Orphanet 244, MedGen C0008780, MONDO:0016575, HP:0012265.

Submission:

Labcorp Genetics (formerly Invitae), Labcorp
Classification: Uncertain significance for Primary ciliary dyskinesia. Last evaluated: 2022-06-27. Review status: criteria provided, single submitter. Criteria: Invitae Variant Classification Sherloc (09022015). Collection method: clinical testing. Allele origin: germline.
Comment: This sequence change replaces serine, which is neutral and polar, with tyrosine, which is neutral and polar, at codon 35 of the RSPH4A protein (p.Ser35Tyr). This variant is not present in population databases (gnomAD no frequency). This variant has not been reported in the literature in individuals affected with RSPH4A-related conditions. Algorithms developed to predict the effect of missense changes on protein structure and function (SIFT, PolyPhen-2, Align-GVGD) all suggest that this variant is likely to be tolerated. In summary, the available evidence is currently insufficient to determine the role of this variant in disease. Therefore, it has been classified as a Variant of Uncertain Significance.

NM_001010892.3(RSPH4A):c.104C>A (p.Ser35Tyr)

Genes: RSPH4A (radial spoke head component 4A; plus strand), LOC129997052 (ATAC-STARR-seq lymphoblastoid active region 24998; plus strand). Cytogenetic location: 6q22.1.
Variant type: single nucleotide variant.
Coding change: c.104C>A on transcript NM_001010892.3 (MANE Select); coding-DNA position 104, C replaced by A.
Protein change: p.Ser35Tyr; replaces serine 35 with tyrosine.
Molecular consequence: missense variant.
Genome position (GRCh38, 1-based): chr6:116,616,727, C>A. VCF-style: chr6-116616727-C-A. GRCh37 (hg19) VCF-style: chr6-116937890-C-A.
Other names: c.104C>A, p.Ser35Tyr (NM_001161664.2); short protein forms S35Y.
Identifiers: ClinVar variation 2011218 (VCV002011218.1), dbSNP rs2482776945, ClinGen allele CA365389804.